The following is an entry in ClinVar:

NM_004370.6(COL12A1):c.8926C>G (p.Pro2976Ala)

Gene: COL12A1 (collagen type XII alpha 1 chain; minus strand). Cytogenetic location: 6q13.
Variant type: single nucleotide variant.
Coding change: c.8926C>G on transcript NM_004370.6 (MANE Select); coding-DNA position 8926, C replaced by G.
Protein change: p.Pro2976Ala; replaces proline 2976 with alanine.
Molecular consequence: missense variant.
Genome position (GRCh38, 1-based): chr6:75,090,125, G>C on the plus strand (C>G on the coding strand, the complement: COL12A1 is on the minus strand). VCF-style: chr6-75090125-G-C. GRCh37 (hg19) VCF-style: chr6-75799841-G-C.
Other names: c.8926C>G, p.Pro2976Ala (NM_001424113.1); c.8905C>G, p.Pro2969Ala (NM_001424114.1); c.8653C>G, p.Pro2885Ala (NM_001424115.1); c.5434C>G, p.Pro1812Ala (NM_001424116.1, NM_080645.3); short protein forms P1812A, P2885A, P2969A, P2976A.
Identifiers: ClinVar variation 3899132 (VCV003899132.1).
Genomic context (GRCh38, chr6:75,090,125, plus strand): 5'-GCAAATTCCTTCCTTTATCCCAATACAGAAGCCAGAAATGCCTACCTCGTTCCCCAGGGG[G>C]TCCCTGCATCCCTGGTGTGCCCGGGAAGCCTGGCCGCCCCCCAGGCCCAGGTTCTCCTCT-3'
Protein context (NP_004361.3, residues 2966-2986): GFPGTPGMQG[Pro2976Ala]PGERGLPGEK

ClinVar aggregate classification (germline): Uncertain significance (1 of 4 stars; one submission).

Submission:

GeneDx
Classification: Uncertain significance. Last evaluated: 2024-11-06. Review status: criteria provided, single submitter. Criteria: GeneDx Variant Classification Process June 2021. Collection method: clinical testing. Allele origin: germline. Affected: yes.
Comment: Not observed at significant frequency in large population cohorts (gnomAD); In silico analysis indicates that this missense variant does not alter protein structure/function; Has not been previously published as pathogenic or benign to our knowledge